The following is an entry in ClinVar:

NM_004100.5(EYA4):c.978C>G (p.Phe326Leu)

Gene: EYA4 (EYA transcriptional coactivator and phosphatase 4; plus strand). Cytogenetic location: 6q23.2.
Variant type: single nucleotide variant.
Coding change: c.978C>G on transcript NM_004100.5 (MANE Select); coding-DNA position 978, C replaced by G.
Protein change: p.Phe326Leu; replaces phenylalanine 326 with leucine.
Molecular consequence: missense variant.
Genome position (GRCh38, 1-based): chr6:133,481,470, C>G. VCF-style: chr6-133481470-C-G. GRCh37 (hg19) VCF-style: chr6-133802608-C-G.
Other names: c.816C>G, p.Phe272Leu (NM_001301012.2); c.996C>G, p.Phe332Leu (NM_001301013.2); c.909C>G, p.Phe303Leu (NM_001370458.1, NM_172103.4); c.834C>G, p.Phe278Leu (NM_001370459.1); c.978C>G, p.Phe326Leu (NM_172105.4); short protein forms F326L, F332L, F278L, F272L, F303L.
Identifiers: ClinVar variation 191663 (VCV000191663.18), dbSNP rs773095472, ClinGen allele CA237190.

ClinVar aggregate classification (germline): Uncertain significance. Review status: criteria provided, multiple submitters, no conflicts (2 of 4 stars). 8 submissions from 7 submitters: Uncertain significance (8). Last evaluated 2025-10-29.

Conditions:
Cardiovascular phenotype. Identifiers: MedGen CN230736.
Autosomal dominant nonsyndromic hearing loss 10. Identifiers: Orphanet 90635, MedGen C1832476, MONDO:0011031, OMIM 601316.
Dilated cardiomyopathy 1J (CMD1J). Also called: CARDIOMYOPATHY, DILATED, WITH SENSORINEURAL HEARING LOSS, AUTOSOMAL DOMINANT. Identifiers: Orphanet 217622, MedGen C1854368, MONDO:0011541, OMIM 605362.

Allele frequency attached by ClinVar (database versions not stated): TOPMed 0.00014.
gnomAD v4.1: 13 of 1,613,400 alleles (0.00081%); highest among the groups gnomAD compares: East Asian, 0.027%; no homozygotes.

Submissions (8):

Women's Health and Genetics/Laboratory Corporation of America, LabCorp
Classification: Uncertain significance. Last evaluated: 2025-10-29. Review status: criteria provided, single submitter. Criteria: LabCorp Variant Classification Summary - May 2015. Collection method: clinical testing. Allele origin: germline.
Comment: Variant summary: EYA4 c.978C>G (p.Phe326Leu) results in a non-conservative amino acid change in the encoded protein sequence. Algorithms developed to predict the effect of missense changes on protein structure and function are either unavailable or do not agree on the potential impact of this missense change. The variant allele was found at a frequency of 4e-05 in 250036 control chromosomes (gnomAD). The observed variant frequency exceeds the estimated maximal expected allele frequency for disease-causing variants in EYA4. c.978C>G has been observed in individuals affected with dilated cardiomyopathy, patent foramen ovale or nonsyndromic hearing impairment (Choi_2013, Frykholm_2015, Lu_2018, Li_2024). These data indicate that the variant may be associated with disease. To our knowledge, no experimental evidence demonstrating an impact on protein function has been reported. The following publications have been ascertained in the context of this evaluation (PMID: 30245029, 23990876, 25681523, 38808331, 30165862). ClinVar contains an entry for this variant (Variation ID: 191663). Based on the evidence outlined above, the variant was classified as VUS-possibly benign.

Labcorp Genetics (formerly Invitae), Labcorp
Classification: Uncertain significance for Dilated cardiomyopathy 1J. Last evaluated: 2025-06-14. Review status: criteria provided, single submitter. Criteria: Invitae Variant Classification Sherloc (09022015). Collection method: clinical testing. Allele origin: germline.
Comment: This sequence change replaces phenylalanine, which is neutral and non-polar, with leucine, which is neutral and non-polar, at codon 326 of the EYA4 protein (p.Phe326Leu). This variant is present in population databases (rs773095472, gnomAD 0.06%). This missense change has been observed in individual(s) with familial nonsyndromic hearing loss and dilated cardiomyopathy (PMID: 23990876, 30165862). This variant is also known as c.909C>G; p.Phe303Leu. ClinVar contains an entry for this variant (Variation ID: 191663). Invitae Evidence Modeling of protein sequence and biophysical properties (such as structural, functional, and spatial information, amino acid conservation, physicochemical variation, residue mobility, and thermodynamic stability) indicates that this missense variant is not expected to disrupt EYA4 protein function with a negative predictive value of 80%. In summary, the available evidence is currently insufficient to determine the role of this variant in disease. Therefore, it has been classified as a Variant of Uncertain Significance.

Ambry Genetics
Classification: Uncertain significance for Cardiovascular phenotype. Last evaluated: 2024-08-09. Review status: criteria provided, single submitter. Criteria: Ambry Variant Classification Scheme 2023. Collection method: clinical testing. Allele origin: germline.
Comment: The p.F326L variant (also known as c.978C>G), located in coding exon 11 of the EYA4 gene, results from a C to G substitution at nucleotide position 978. The phenylalanine at codon 326 is replaced by leucine, an amino acid with highly similar properties. This alteration (also referred to as p.F303L) has been reported in non-syndromic hearing loss and cardiomyopathy cohorts (Choi BY et al. PLoS One, 2013 Aug;8:e68692; Kim YR et al. PLoS One, 2015 Mar;10:e0119443; Lu C et al. J Transl Med, 2018 08;16:241). This amino acid position is highly conserved in available vertebrate species. In addition, the in silico prediction for this alteration is inconclusive. Since supporting evidence is limited at this time, the clinical significance of this alteration remains unclear.

Fulgent Genetics
Classification: Uncertain significance for Autosomal dominant nonsyndromic hearing loss 10; Dilated cardiomyopathy 1J. Last evaluated: 2021-12-21. Review status: criteria provided, single submitter. Criteria: ACMG Guidelines, 2015. Collection method: clinical testing. Allele origin: unknown.

GeneDx
Classification: Uncertain significance. Last evaluated: 2019-12-17. Review status: criteria provided, single submitter. Criteria: GeneDx Variant Classification Process June 2021. Collection method: clinical testing. Allele origin: germline. Affected: yes.
Comment: In silico analysis, which includes protein predictors and evolutionary conservation, supports that this variant does not alter protein structure/function; This variant is associated with the following publications: (PMID: 25681523, 30245029, 23990876, 30165862)

Illumina Laboratory Services, Illumina
Classification: Uncertain significance for Autosomal dominant nonsyndromic hearing loss 10. Last evaluated: 2017-05-08. Review status: criteria provided, single submitter. Criteria: ICSL Variant Classification Criteria 13 December 2019. Collection method: clinical testing. Allele origin: germline.
Comment: This variant was observed as part of a predisposition screen in an ostensibly healthy population. A literature search was performed for the gene, cDNA change, and amino acid change (where applicable). Publications were found based on this search. However, the evidence from the literature, in combination with allele frequency data from public databases where available, was not sufficient to rule this variant in or out of causing disease. Therefore, this variant is classified as a variant of unknown significance.

Illumina Laboratory Services, Illumina
Classification: Uncertain significance for Dilated cardiomyopathy 1J. Last evaluated: 2017-05-08. Review status: criteria provided, single submitter. Criteria: ICSL Variant Classification Criteria 13 December 2019. Collection method: clinical testing. Allele origin: germline.
Comment: the same text as in the submission from Illumina Laboratory Services, Illumina above.

Biesecker Lab/Clinical Genomics Section, National Institutes of Health
Classification: Uncertain significance. Last evaluated: 2013-06-24. Review status: criteria provided, single submitter. Criteria: Ng et al. (Circ Cardiovasc Genet. 2013). Collection method: research. Allele origin: unknown. Observed: 1 variant allele. Study: ClinSeq.
Comment: The study set was not selected for affection status in relation to any cancer. Pathogenicity categories were based on literature curation. See Pubmed ID:23861362 for details.

Medical sequencing

Literature cited by the submitters: PubMed 30245029 (cited by Women's Health and Genetics/Laboratory Corporation of America, LabCorp); PubMed 30165862 (cited by 3 submitters); PubMed 23990876 (cited by 4 submitters); PubMed 25681523 (cited by Women's Health and Genetics/Laboratory Corporation of America, LabCorp and Illumina Laboratory Services, Illumina); PubMed 38808331 (cited by Women's Health and Genetics/Laboratory Corporation of America, LabCorp); PubMed 25781927 (cited by Ambry Genetics and Illumina Laboratory Services, Illumina); PubMed 23861362 (cited by Illumina Laboratory Services, Illumina).